The following is an entry in ClinVar:

ClinVar aggregate classification (germline): Uncertain significance. Review status: criteria provided, multiple submitters, no conflicts (2 of 4 stars). 2 submissions from 2 submitters: Uncertain significance (2). Last evaluated 2025-05-24.

Conditions:
Hereditary cancer-predisposing syndrome. Also called: Tumor predisposition; Hereditary Cancer Syndrome; Hereditary neoplastic syndrome; Neoplastic Syndromes, Hereditary. Identifiers: Orphanet 140162, MedGen C0027672, MeSH D009386, MONDO:0015356.
Hereditary pheochromocytoma and paraganglioma. Also called: Hereditary paragangliomas and pheochromocytomas; Hereditary Paraganglioma-Pheochromocytoma Syndromes; Hereditary pheochromocytoma-paraganglioma. Identifiers: Orphanet 29072, MedGen C4274332, MONDO:0017366.

Submissions (2):

Ambry Genetics
Classification: Uncertain significance for Hereditary cancer-predisposing syndrome. Last evaluated: 2025-05-24. Review status: criteria provided, single submitter. Criteria: Ambry Variant Classification Scheme 2023. Collection method: clinical testing. Allele origin: germline.
Comment: The p.A93T variant (also known as c.277G>A), located in coding exon 4 of the MAX gene, results from a G to A substitution at nucleotide position 277. The alanine at codon 93 is replaced by threonine, an amino acid with similar properties. This amino acid position is conserved. In addition, the in silico prediction for this alteration is inconclusive. Based on the available evidence, the clinical significance of this variant remains unclear.

Labcorp Genetics (formerly Invitae), Labcorp
Classification: Uncertain significance for Hereditary pheochromocytoma and paraganglioma. Last evaluated: 2021-12-13. Review status: criteria provided, single submitter. Criteria: Invitae Variant Classification Sherloc (09022015). Collection method: clinical testing. Allele origin: germline.
Comment: This sequence change replaces alanine, which is neutral and non-polar, with threonine, which is neutral and polar, at codon 93 of the MAX protein (p.Ala93Thr). This variant is not present in population databases (gnomAD no frequency). This variant has not been reported in the literature in individuals affected with MAX-related conditions. Algorithms developed to predict the effect of missense changes on protein structure and function (SIFT, PolyPhen-2, Align-GVGD) all suggest that this variant is likely to be tolerated. In summary, the available evidence is currently insufficient to determine the role of this variant in disease. Therefore, it has been classified as a Variant of Uncertain Significance.

NM_002382.5(MAX):c.277G>A (p.Ala93Thr)

Gene: MAX (MYC associated transcriptional regulator X; minus strand). Cytogenetic location: 14q23.3.
Variant type: single nucleotide variant.
Coding change: c.277G>A on transcript NM_002382.5 (MANE Select); coding-DNA position 277, G replaced by A.
Protein change: p.Ala93Thr; replaces alanine 93 with threonine.
Molecular consequence: missense variant. On other transcripts: initiator codon variant (1), intron variant (2).
Genome position (GRCh38, 1-based): chr14:65,077,931, C>T on the plus strand (G>A on the coding strand, the complement: MAX is on the minus strand). VCF-style: chr14-65077931-C-T. GRCh37 (hg19) VCF-style: chr14-65544649-C-T.
Other names: c.3G>A, p.Met1Ile (NM_001320415.2, NM_001407105.1, NM_001407106.1 and 1 more transcripts); c.277G>A, p.Ala93Thr (NM_001407094.1, NM_001407096.1, NM_001407097.1 and 3 more transcripts); c.250G>A, p.Ala84Thr (NM_001407095.1, NM_001407099.1, NM_001407100.1 and 6 more transcripts); c.169G>A, p.Ala57Thr (NM_001407098.1); c.-91G>A (NM_001407111.1, NM_001407112.1); c.144+15777G>A (NM_001271069.2); c.171+15777G>A (NM_197957.4); short protein forms A93T, M1I, A84T, A57T.
Identifiers: ClinVar variation 1482804 (VCV001482804.8), dbSNP rs1555340540, ClinGen allele CA390035440.